The following is an entry in ClinVar:

NM_016938.5(EFEMP2):c.276C>T (p.His92=)

Gene: EFEMP2 (EGF-like fibulin extracellular matrix protein 2; minus strand). Cytogenetic location: 11q13.1.
Variant type: single nucleotide variant.
Coding change: c.276C>T on transcript NM_016938.5 (MANE Select); coding-DNA position 276, C replaced by T.
Protein change: p.His92=; no amino-acid change (histidine 92 retained).
Molecular consequence: synonymous variant. On other transcripts: non-coding transcript variant (1).
Genome position (GRCh38, 1-based): chr11:65,871,248, G>A on the plus strand (C>T on the coding strand, the complement: EFEMP2 is on the minus strand). VCF-style: chr11-65871248-G-A. GRCh37 (hg19) VCF-style: chr11-65638719-G-A.
Other names: p.His92=.
Identifiers: ClinVar variation 163326 (VCV000163326.33), dbSNP rs633800, ClinGen allele CA175988.
Genomic context (GRCh38, chr11:65,871,248, plus strand): 5'-GCCTGGTGGGCAGGGGTTGGGGTGTTGAGCGGGAGGCACTGGTGGCGGGGGTCCCTCGCC[G>A]TGTAGGTCGTTGATGACGGCAGCGGAGCGGGGCAGGCACAAGTAGCCCCCGTAGTGGTTG-3'
Protein context (NP_058634.4, residues 82-102): PRSAAVINDL[His92=]GEGPPPPVPP

ClinVar aggregate classification (germline): Benign. Review status: criteria provided, multiple submitters, no conflicts (2 of 4 stars). 16 submissions from 16 submitters: Benign (14). 2 of the submissions do not count toward it. Last evaluated 2026-02-04.

Conditions:
Cardiovascular phenotype. Identifiers: MedGen CN230736.
Cutis laxa, autosomal recessive, type 1B (ARCL1B). Also called: EFEMP2-Related Cutis Laxa; CUTIS LAXA, AUTOSOMAL RECESSIVE, TYPE IB. Identifiers: Orphanet 90349, MedGen C3280798, MONDO:0013754, OMIM 614437. Disease mechanism: loss of function.
Familial thoracic aortic aneurysm and aortic dissection (TAAD). Also called: Thoracic aortic aneurysms and dissections. Identifiers: Orphanet 91387, MedGen C4707243, MONDO:0019625.

Allele frequency attached by ClinVar (database versions not stated): 1000 Genomes Project 30x 0.31480; 1000 Genomes Project 0.32109; TOPMed 0.36420; gnomAD 0.39212 and 0.39646; ESP Exome Variant Server 0.39664; gnomAD exomes 0.44719; ExAC 0.45025.
gnomAD v4.1: 776,844 of 1,613,952 alleles (48%); highest among the groups gnomAD compares: Middle Eastern, 58%; 195,842 homozygotes.

Submissions (16):

Labcorp Genetics (formerly Invitae), Labcorp
Classification: Benign for Cutis laxa, autosomal recessive, type 1B. Last evaluated: 2026-02-04. Review status: criteria provided, single submitter. Criteria: Invitae Variant Classification Sherloc (09022015). Collection method: clinical testing. Allele origin: germline.

Molecular Diagnostic Laboratory for Inherited Cardiovascular Disease, Montreal Heart Institute
Classification: Benign. Last evaluated: 2025-04-09. Review status: criteria provided, single submitter. Criteria: ACMG Guidelines, 2015. Collection method: clinical testing. Allele origin: germline. Affected: no.

Blueprint Genetics
Classification: Benign. Last evaluated: 2024-11-27. Review status: criteria provided, single submitter. Criteria: ACMG Guidelines, 2015. Collection method: clinical testing. Allele origin: germline.

CHEO Genetics Diagnostic Laboratory, Children's Hospital of Eastern Ontario
Classification: Benign for Familial thoracic aortic aneurysm and aortic dissection. Last evaluated: 2022-11-18. Review status: criteria provided, single submitter. Criteria: ACMG Guidelines, 2015. Collection method: clinical testing. Allele origin: germline.

Mayo Clinic Laboratories, Mayo Clinic
Classification: Benign. Last evaluated: 2022-04-26. Review status: criteria provided, single submitter. Criteria: ACMG Guidelines, 2015. Collection method: clinical testing. Allele origin: germline. Observed: 526 variant alleles.

Genome-Nilou Lab
Classification: Benign for Cutis laxa, autosomal recessive, type 1B. Last evaluated: 2021-07-30. Review status: criteria provided, single submitter. Criteria: ACMG Guidelines, 2015. Collection method: clinical testing. Allele origin: germline. Affected: no.

Ambry Genetics
Classification: Benign for Cardiovascular phenotype. Last evaluated: 2018-12-04. Review status: criteria provided, single submitter. Criteria: Ambry Variant Classification Scheme 2023. Collection method: clinical testing. Allele origin: germline.

Illumina Laboratory Services, Illumina
Classification: Benign for Cutis laxa, autosomal recessive, type 1B. Last evaluated: 2018-01-13. Review status: criteria provided, single submitter. Criteria: ICSL Variant Classification Criteria 13 December 2019. Collection method: clinical testing. Allele origin: germline.
Comment: This variant was observed in the ICSL laboratory as part of a predisposition screen in an ostensibly healthy population. It had not been previously curated by ICSL or reported in the Human Gene Mutation Database (HGMD: prior to June 1st, 2018), and was therefore a candidate for classification through an automated scoring system. Utilizing variant allele frequency, disease prevalence and penetrance estimates, and inheritance mode, an automated score was calculated to assess if this variant is too frequent to cause the disease. Based on the score and internal cut-off values, a variant classified as benign is not then subjected to further curation. The score for this variant resulted in a classification of benign for this disease.

Women's Health and Genetics/Laboratory Corporation of America, LabCorp
Classification: Benign. Last evaluated: 2017-07-14. Review status: criteria provided, single submitter. Criteria: LabCorp Variant Classification Summary - May 2015. Collection method: clinical testing. Allele origin: germline.
Comment: Variant summary: The EFEMP2 c.276C>T (p.His92His) variant involves the alteration of a non-conserved nucleotide, resulting in a synonymous change. One in silico tool predicts a polymorphism outcome for this variant. 5/5 splice prediction tools predict no significant impact on normal splicing. ESE finder predicts that this variant may affect binding of multiple ESE sites. However, these predictions have yet to be confirmed by functional studies. This variant was found in 54595/121254 control chromosomes (13690 homozygotes) from ExAC at a frequency of 0.4502532, which is approximately 4027 times the estimated maximal expected allele frequency of a pathogenic EFEMP2 variant (0.0001118), thus it is a common benign polymorphism. In addition, multiple clinical diagnostic laboratories (via ClinVar) have classified this variant as benign. Taken together, this variant is classified as benign.

GeneDx
Classification: Benign. Last evaluated: 2016-09-29. Review status: criteria provided, single submitter. Criteria: GeneDx Variant Classification (06012015). Collection method: clinical testing. Allele origin: germline. Affected: yes.
Comment: This variant is considered likely benign or benign based on one or more of the following criteria: it is a conservative change, it occurs at a poorly conserved position in the protein, it is predicted to be benign by multiple in silico algorithms, and/or has population frequency not consistent with disease.

Clinical Genetics DNA and cytogenetics Diagnostics Lab, Erasmus MC, Erasmus Medical Center
Classification: Benign for Cutis laxa, autosomal recessive, type 1B. Last evaluated: 2015-09-21. Review status: criteria provided, single submitter. Criteria: ACGS Guidelines, 2013. Collection method: clinical testing. Allele origin: germline. Affected: yes. Study: VKGL Data-share Consensus.

Laboratory for Molecular Medicine, Mass General Brigham Personalized Medicine
Classification: Benign. Last evaluated: 2013-02-21. Review status: criteria provided, single submitter. Criteria: LMM Criteria. Collection method: clinical testing. Allele origin: germline. Observed: 48 variant alleles.
Comment: His92His in exon 4 of EFEMP2: This variant is not expected to have clinical sign ificance because it does not alter an amino acid residue and is not located with in the splice consensus sequence. It has been identified in 48.2% (4141/8592) of European American chromosomes from a broad population by the NHLBI Exome Sequen cing Project (dbSNP rs633800).

Breakthrough Genomics
Classification: Benign. Review status: criteria provided, single submitter. Criteria: ACMG Guidelines, 2015. Collection method: not provided. Allele origin: germline. Inheritance: Autosomal recessive inheritance. Affected: yes.

PreventionGenetics, part of Exact Sciences
Classification: Benign. Review status: criteria provided, single submitter. Criteria: ACMG Guidelines, 2015. Collection method: clinical testing. Allele origin: germline.

Genome Diagnostics Laboratory, Amsterdam University Medical Center
Classification: Benign for Cutis laxa, autosomal recessive, type 1B. Last evaluated: 2014-11-19. Review status: no assertion criteria provided. Criteria: ACGS Guidelines, 2013. Collection method: clinical testing. Allele origin: germline. Affected: yes. Study: VKGL Data-share Consensus. Not counted in ClinVar's aggregate classification.

Joint Genome Diagnostic Labs from Nijmegen and Maastricht, Radboudumc and MUMC+
Classification: Benign. Review status: no assertion criteria provided. Collection method: clinical testing. Allele origin: germline. Affected: yes. Study: VKGL Data-share Consensus. Not counted in ClinVar's aggregate classification.